The following is an entry in ClinVar:

NM_017934.7(PHIP):c.100-7G>A

Gene: PHIP (PHIP subunit of CUL4-Ring ligase complex; minus strand). Cytogenetic location: 6q14.1.
Variant type: single nucleotide variant.
Coding change: c.100-7G>A on transcript NM_017934.7 (MANE Select); 7 bases into the intron before coding-DNA position 100, G replaced by A.
Molecular consequence: intron variant.
Genome position (GRCh38, 1-based): chr6:79,077,736, C>T on the plus strand (G>A on the coding strand, the complement: PHIP is on the minus strand). VCF-style: chr6-79077736-C-T. GRCh37 (hg19) VCF-style: chr6-79787453-C-T.
Identifiers: ClinVar variation 3349560 (VCV003349560.1).
Genomic context (GRCh38, chr6:79,077,736, plus strand): 5'-GCGCCGGGCCGCCGCCGCCCTTACCTCCTTCTCGGCCACCTCGCGGATCAGCACCTGCAA[C>T]AACAAAGCGGGGAGAGCTGAGCCCCGCGCCCCGGGCCGCGGCCCCGCCGCCGCCGCCTCC-3'

ClinVar aggregate classification (germline): Likely benign (0 of 4 stars; one submission).

Conditions:
PHIP-related disorder. Also called: PHIP-related condition; PHIP-related disorders.

gnomAD v4.1: 1 of 1,012,100 alleles (0.000099%); highest among the groups gnomAD compares: Non-Finnish European, 0.00012%; no homozygotes.

Submission:

PreventionGenetics, part of Exact Sciences
Classification: Likely benign for PHIP-related condition. Last evaluated: 2024-04-19. Review status: no assertion criteria provided. Collection method: clinical testing. Allele origin: germline.
Comment: This variant is classified as likely benign based on ACMG/AMP sequence variant interpretation guidelines (Richards et al. 2015 PMID: 25741868, with internal and published modifications).